The following is an entry in ClinVar:

ClinVar aggregate classification (germline): Uncertain significance (1 of 4 stars; one submission).

gnomAD v4.1: 3 of 1,614,240 alleles (0.00019%); highest among the groups gnomAD compares: Non-Finnish European, 0.00025%; no homozygotes.

Submission:

Labcorp Genetics (formerly Invitae), Labcorp
Classification: Uncertain significance. Last evaluated: 2025-08-23. Review status: criteria provided, single submitter. Criteria: Invitae Variant Classification Sherloc (09022015). Collection method: clinical testing. Allele origin: germline.
Comment: This sequence change replaces glycine, which is neutral and non-polar, with arginine, which is basic and polar, at codon 8 of the C2CD3 protein (p.Gly8Arg). This variant is not present in population databases (gnomAD no frequency). This variant has not been reported in the literature in individuals affected with C2CD3-related conditions. Experimental studies and prediction algorithms are not available or were not evaluated, and the functional significance of this variant is currently unknown. In summary, the available evidence is currently insufficient to determine the role of this variant in disease. Therefore, it has been classified as a Variant of Uncertain Significance.

NM_001286577.2(C2CD3):c.22G>A (p.Gly8Arg)

Gene: C2CD3 (C2 domain containing 3 centriole elongation regulator; minus strand). Cytogenetic location: 11q13.4.
Variant type: single nucleotide variant.
Coding change: c.22G>A on transcript NM_001286577.2 (MANE Select); coding-DNA position 22, G replaced by A.
Protein change: p.Gly8Arg; replaces glycine 8 with arginine.
Molecular consequence: missense variant.
Genome position (GRCh38, 1-based): chr11:74,170,771, C>T on the plus strand (G>A on the coding strand, the complement: C2CD3 is on the minus strand). VCF-style: chr11-74170771-C-T. GRCh37 (hg19) VCF-style: chr11-73881816-C-T.
Other names: c.22G>A, p.Gly8Arg (NM_015531.6); short protein forms G8R.
Identifiers: ClinVar variation 4806217 (VCV004806217.1).
Genomic context (GRCh38, chr11:74,170,771, plus strand): 5'-TCCTCAATCTTTGATCGCTCAGGTTACCTCTTTTTTTGCGCCCACGGCTGCCCCCAGACC[C>T]TTGGCCTTTTCGTTGTTTCATGATGAGCCCGAGCTCTTCTTCACCAGCTCAACTCCGTCT-3'
Protein context (NP_001273506.1, residues 1-18): MKQRKGQ[Gly8Arg]SGGSRGRKKR